The following is an entry in ClinVar:

NM_001199397.3(NEK1):c.1663A>G (p.Met555Val)

Gene: NEK1 (NIMA related kinase 1; minus strand). Cytogenetic location: 4q33.
Variant type: single nucleotide variant.
Coding change: c.1663A>G on transcript NM_001199397.3 (MANE Select); coding-DNA position 1663, A replaced by G.
Protein change: p.Met555Val; replaces methionine 555 with valine.
Molecular consequence: missense variant. On other transcripts: non-coding transcript variant (1).
Genome position (GRCh38, 1-based): chr4:169,537,811, T>C on the plus strand (A>G on the coding strand, the complement: NEK1 is on the minus strand). VCF-style: chr4-169537811-T-C. GRCh37 (hg19) VCF-style: chr4-170458962-T-C.
Other names: c.1531A>G, p.Met511Val (NM_001199398.3, NM_001199400.3); c.1456A>G, p.Met486Val (NM_001199399.3); c.1663A>G, p.Met555Val (NM_001374418.1, NM_001374419.1, NM_012224.4); c.1612A>G, p.Met538Val (NM_001374420.1); c.1537A>G, p.Met513Val (NM_001374421.1); short protein forms M555V, M486V, M511V, M513V, M538V.
Identifiers: ClinVar variation 348111 (VCV000348111.7), dbSNP rs766596184, ClinGen allele CA3137676.

ClinVar aggregate classification (germline): Uncertain significance. Review status: criteria provided, multiple submitters, no conflicts (2 of 4 stars). 3 submissions from 3 submitters: Uncertain significance (3). Last evaluated 2025-08-10.

Conditions:
Inborn genetic diseases. Identifiers: MedGen C0950123, MeSH D030342.
Short-rib thoracic dysplasia 6 with or without polydactyly (SRTD6). Also called: POLYDACTYLY WITH NEONATAL CHONDRODYSTROPHY, TYPE II; Majewski Syndrome; SHORT RIB-POLYDACTYLY SYNDROME, TYPE IIA; SHORT-RIB THORACIC DYSPLASIA 6 WITH POLYDACTYLY; SHORT-RIB THORACIC DYSPLASIA 6 WITHOUT POLYDACTYLY. Identifiers: MedGen C0024507, MONDO:0009894, OMIM 263520.

Allele frequency attached by ClinVar (database versions not stated): gnomAD exomes 0.00002 and 0.00003; ExAC 0.00004.

Submissions (3):

Ambry Genetics
Classification: Uncertain significance for Inborn genetic diseases. Last evaluated: 2025-08-10. Review status: criteria provided, single submitter. Criteria: Ambry Variant Classification Scheme 2023. Collection method: clinical testing. Allele origin: germline.

ARUP Laboratories, Molecular Genetics and Genomics, ARUP Laboratories
Classification: Uncertain significance. Last evaluated: 2024-05-23. Review status: criteria provided, single submitter. Criteria: ARUP Molecular Germline Variant Investigation Process 2024. Collection method: clinical testing. Allele origin: germline.
Comment: The NEK1 c.1663A>G; p.Met555Val variant (rs766596184), to our knowledge, is not reported in the medical literature but is reported in ClinVar (Variation ID: 348111). This variant is found in the general population with an overall allele frequency of 0.002% (6/248,728 alleles) in the Genome Aggregation Database (v2.1.1). Computational analyses predict that this variant is neutral (REVEL: 0.028); however computational analyses (Alamut Visual Plus v.1.5.1) predict that this variant may impact splicing by weakening the nearby canonical donor splice site. Due to limited information, the clinical significance of this variant is uncertain at this time.

Illumina Laboratory Services, Illumina
Classification: Uncertain significance for Short-rib thoracic dysplasia 6 with or without polydactyly. Last evaluated: 2018-01-13. Review status: criteria provided, single submitter. Criteria: ICSL Variant Classification Criteria 13 December 2019. Collection method: clinical testing. Allele origin: germline.